The following is an entry in ClinVar:

NM_182476.3(COQ6):c.686A>C (p.Gln229Pro)

Genes: COQ6 (coenzyme Q6, monooxygenase; plus strand), ENTPD5 (ectonucleoside triphosphate diphosphohydrolase 5; minus strand). Cytogenetic location: 14q24.3.
Variant type: single nucleotide variant.
Coding change: c.686A>C on transcript NM_182476.3 (MANE Select); coding-DNA position 686, A replaced by C.
Protein change: p.Gln229Pro; replaces glutamine 229 with proline.
Molecular consequence: missense variant. On other transcripts: 3 prime UTR variant (3), intron variant (2).
Genome position (GRCh38, 1-based): chr14:73,959,044, A>C. VCF-style: chr14-73959044-A-C. GRCh37 (hg19) VCF-style: chr14-74425747-A-C.
Other names: c.686A>C, p.Gln229Pro (NM_001425255.1, NM_001425256.1); c.521A>C, p.Gln174Pro (NM_001425257.1); c.611A>C, p.Gln204Pro (NM_001425258.1, NM_182480.3); c.461A>C, p.Gln154Pro (NM_001425259.1, NM_001425260.1, NM_001425261.1); c.431A>C, p.Gln144Pro (NM_001425262.1); c.359A>C, p.Gln120Pro (NM_001425263.1); c.146A>C, p.Gln49Pro (NM_001425264.1, NM_001425265.1); c.*486T>G (NM_001330189.2, NM_001382259.1, NM_001382260.1); and 2 more; short protein forms Q229P, Q204P.
Identifiers: ClinVar variation 992501 (VCV000992501.5), dbSNP rs1446126959, ClinGen allele CA390375468.

ClinVar aggregate classification (germline): Uncertain significance. Review status: criteria provided, single submitter (1 of 4 stars). 2 submissions from 2 submitters: Uncertain significance (1). 1 of the submissions does not count toward it. Last evaluated 2024-12-13.

Conditions:
Familial steroid-resistant nephrotic syndrome with sensorineural deafness. Identifiers: Orphanet 280406, MedGen C3553349, MONDO:0013836, OMIM 614650.

Allele frequency attached by ClinVar (database versions not stated): gnomAD exomes below 0.00001.
gnomAD v4.1: 1 of 1,614,196 alleles (0.000062%); highest among the groups gnomAD compares: East Asian, 0.0022%; no homozygotes.

Submissions (2):

Labcorp Genetics (formerly Invitae), Labcorp
Classification: Uncertain significance. Last evaluated: 2024-12-13. Review status: criteria provided, single submitter. Criteria: Invitae Variant Classification Sherloc (09022015). Collection method: clinical testing. Allele origin: germline.
Comment: This sequence change replaces glutamine, which is neutral and polar, with proline, which is neutral and non-polar, at codon 229 of the COQ6 protein (p.Gln229Pro). This variant is not present in population databases (gnomAD no frequency). This missense change has been observed in individual(s) with COQ6-related conditions (PMID: 28117207). ClinVar contains an entry for this variant (Variation ID: 992501). Invitae Evidence Modeling of protein sequence and biophysical properties (such as structural, functional, and spatial information, amino acid conservation, physicochemical variation, residue mobility, and thermodynamic stability) indicates that this missense variant is expected to disrupt COQ6 protein function with a positive predictive value of 80%. In summary, the available evidence is currently insufficient to determine the role of this variant in disease. Therefore, it has been classified as a Variant of Uncertain Significance.

OMIM
Classification: Pathogenic for COENZYME Q10 DEFICIENCY, PRIMARY, 6. Last evaluated: 2021-01-04. Review status: no assertion criteria provided. Collection method: literature only. Allele origin: germline. Not counted in ClinVar's aggregate classification.

Literature cited by the submitters: PubMed 28117207 (cited by Labcorp Genetics (formerly Invitae), Labcorp and OMIM).